The following is an entry in ClinVar:

ClinVar aggregate classification (germline): Pathogenic (1 of 4 stars; one submission).

Conditions:
Developmental and epileptic encephalopathy, 42 (DEE42A). Also called: DEVELOPMENTAL AND EPILEPTIC ENCEPHALOPATHY 42A; EPILEPTIC ENCEPHALOPATHY, EARLY INFANTILE, 42A; Epileptic encephalopathy, early infantile, 42. Identifiers: MedGen C4310716, MONDO:0014917, OMIM 617106.
Episodic ataxia type 2 (EA2). Also called: EPISODIC ATAXIA, NYSTAGMUS-ASSOCIATED; ACETAZOLAMIDE-RESPONSIVE HEREDITARY PAROXYSMAL CEREBELLAR ATAXIA; ATAXIA, EPISODIC, WITH NYSTAGMUS; ATAXIA, FAMILIAL PAROXYSMAL; CEREBELLAR ATAXIA, PAROXYSMAL, ACETAZOLAMIDE-RESPONSIVE; CEREBELLOPATHY, HEREDITARY PAROXYSMAL. Identifiers: Orphanet 97, MedGen C1720416, MONDO:0007163, OMIM 108500.

Submission:

Labcorp Genetics (formerly Invitae), Labcorp
Classification: Pathogenic for Developmental and epileptic encephalopathy, 42; Episodic ataxia type 2. Last evaluated: 2020-06-26. Review status: criteria provided, single submitter. Criteria: Invitae Variant Classification Sherloc (09022015). Collection method: clinical testing. Allele origin: germline.
Comment: This sequence change creates a premature translational stop signal (p.Leu1363Profs*9) in the CACNA1A gene. It is expected to result in an absent or disrupted protein product. This variant is not present in population databases (ExAC no frequency). This variant has not been reported in the literature in individuals with CACNA1A-related conditions. Loss-of-function variants in CACNA1A are known to be pathogenic (PMID: 10371528, 19486177, 25735478, 27250579). For these reasons, this variant has been classified as Pathogenic.

Literature cited by the submitters: PubMed 10371528; PubMed 19486177; PubMed 25735478; PubMed 27250579.

NM_001127222.2(CACNA1A):c.4085del (p.Leu1362fs)

Gene: CACNA1A (calcium voltage-gated channel subunit alpha1 A; minus strand). Cytogenetic location: 19p13.13.
Variant type: Deletion.
Coding change: c.4085del on transcript NM_001127222.2 (MANE Select); coding-DNA position 4085, one base deleted (T; older notation c.4085delT).
Protein change: p.Leu1362fs; shifts the reading frame from leucine 1362.
Molecular consequence: frameshift variant.
Genome position (GRCh38, 1-based): chr19:13,262,738, A deleted on the plus strand (T on the coding strand, the reverse complement: CACNA1A is on the minus strand). VCF-style (leftmost placement, unchanged base first): chr19-13262737-GA-G. GRCh37 (hg19) VCF-style: chr19-13373551-GA-G.
Other names: c.4097del, p.Leu1366fs (NM_000068.4, NM_023035.3); c.4088del, p.Leu1363fs (NM_001127221.2, NM_001174080.2); short protein forms L1362fs, L1363fs, L1366fs.
Identifiers: ClinVar variation 1074371 (VCV001074371.7), dbSNP rs2144772838, ClinGen allele CA2499225386.